The following is an entry in ClinVar:

NM_201384.3(PLEC):c.694G>A (p.Val232Met)

Gene: PLEC (plectin; minus strand). Cytogenetic location: 8q24.3.
Variant type: single nucleotide variant.
Coding change: c.694G>A on transcript NM_201384.3 (MANE Select); coding-DNA position 694, G replaced by A.
Protein change: p.Val232Met; replaces valine 232 with methionine.
Molecular consequence: missense variant.
Genome position (GRCh38, 1-based): chr8:143,935,222, C>T on the plus strand (G>A on the coding strand, the complement: PLEC is on the minus strand). VCF-style: chr8-143935222-C-T. GRCh37 (hg19) VCF-style: chr8-145009390-C-T.
Other names: c.775G>A, p.Val259Met (NM_000445.5); c.652G>A, p.Val218Met (NM_201378.4); c.628G>A, p.Val210Met (NM_201379.3); c.1105G>A, p.Val369Met (NM_201380.4); c.598G>A, p.Val200Met (NM_201381.3); c.694G>A, p.Val232Met (NM_201382.4); c.706G>A, p.Val236Met (NM_201383.3); short protein forms V200M, V218M, V210M, V232M, V259M, V236M, V369M.
Identifiers: ClinVar variation 1389774 (VCV001389774.8), dbSNP rs1212780465, ClinGen allele CA372587553.

ClinVar aggregate classification (germline): Uncertain significance (1 of 4 stars; one submission).

Conditions:
Epidermolysis bullosa simplex 5B, with muscular dystrophy (EBS5B). Also called: Epidermolysis bullosa simplex with muscular dystrophy; EPIDERMOLYSIS BULLOSA SIMPLEX AND LIMB-GIRDLE MUSCULAR DYSTROPHY. Identifiers: Orphanet 257, MedGen C2931072, MONDO:0009181, OMIM 226670.
Epidermolysis bullosa simplex 5C, with pyloric atresia (EBS5C). Also called: PLEC1-Related Epidermolysis Bullosa with Pyloric Atresia; PLEC-Related Epidermolysis Bullosa with Pyloric Atresia; Epidermolysis bullosa simplex with pyloric atresia. Identifiers: Orphanet 158684, MedGen C2677349, MONDO:0012807, OMIM 612138.
Autosomal recessive limb-girdle muscular dystrophy type 2Q (LGMDR17). Also called: MUSCULAR DYSTROPHY, LIMB-GIRDLE, AUTOSOMAL RECESSIVE 17. Identifiers: Orphanet 254361, MedGen C3150989, MONDO:0013390, OMIM 613723.
Epidermolysis bullosa simplex, Ogna type (EBS5A). Also called: Pidermolysis bullosa simplex 5A, Ogna type; EPIDERMOLYSIS BULLOSA SIMPLEX 5A, OGNA TYPE. Identifiers: Orphanet 79401, MedGen C0432317, MONDO:0007555, OMIM 131950.
Epidermolysis bullosa simplex with nail dystrophy (EBS5D). Identifiers: MedGen C4225309, MONDO:0014661, OMIM 616487.

Allele frequency attached by ClinVar (database versions not stated): gnomAD exomes below 0.00001 and 0.00001; TOPMed 0.00001; gnomAD 0.00003.
gnomAD v4.1: 15 of 1,612,478 alleles (0.00093%); highest among the groups gnomAD compares: Non-Finnish European, 0.0013%; no homozygotes.

Submission:

Labcorp Genetics (formerly Invitae), Labcorp
Classification: Uncertain significance for Autosomal recessive limb-girdle muscular dystrophy type 2Q; Epidermolysis bullosa simplex, Ogna type; Epidermolysis bullosa simplex with nail dystrophy; Epidermolysis bullosa simplex 5C, with pyloric atresia; Epidermolysis bullosa simplex 5B, with muscular dystrophy. Last evaluated: 2021-04-01. Review status: criteria provided, single submitter. Criteria: Invitae Variant Classification Sherloc (09022015). Collection method: clinical testing. Allele origin: germline.
Comment: In summary, the available evidence is currently insufficient to determine the role of this variant in disease. Therefore, it has been classified as a Variant of Uncertain Significance. Algorithms developed to predict the effect of missense changes on protein structure and function are either unavailable or do not agree on the potential impact of this missense change (SIFT: "Deleterious"; PolyPhen-2: "Not Available"; Align-GVGD: "Class C0"). This variant has not been reported in the literature in individuals with PLEC-related conditions. This variant is not present in population databases (ExAC no frequency). This sequence change replaces valine with methionine at codon 259 of the PLEC protein (p.Val259Met). The valine residue is highly conserved and there is a small physicochemical difference between valine and methionine.